The following is an entry in ClinVar:

ClinVar aggregate classification (germline): Uncertain significance (1 of 4 stars; one submission).

Allele frequency attached by ClinVar (database versions not stated): TOPMed below 0.00001.

Submission:

GeneDx
Classification: Uncertain significance. Last evaluated: 2022-11-30. Review status: criteria provided, single submitter. Criteria: GeneDx Variant Classification Process June 2021. Collection method: clinical testing. Allele origin: germline. Affected: yes.
Comment: Not observed in large population cohorts (gnomAD); In silico analysis supports that this missense variant has a deleterious effect on protein structure/function; Has not been previously published as pathogenic or benign to our knowledge

NM_003482.4(KMT2D):c.5702C>T (p.Ser1901Phe)

Gene: KMT2D (lysine methyltransferase 2D; minus strand). Cytogenetic location: 12q13.12.
Variant type: single nucleotide variant.
Coding change: c.5702C>T on transcript NM_003482.4 (MANE Select); coding-DNA position 5702, C replaced by T.
Protein change: p.Ser1901Phe; replaces serine 1901 with phenylalanine.
Molecular consequence: missense variant.
Genome position (GRCh38, 1-based): chr12:49,042,821, G>A on the plus strand (C>T on the coding strand, the complement: KMT2D is on the minus strand). VCF-style: chr12-49042821-G-A. GRCh37 (hg19) VCF-style: chr12-49436604-G-A.
Other names: short protein forms S1901F.
Identifiers: ClinVar variation 1314768 (VCV001314768.2), dbSNP rs1943602695, ClinGen allele CA384629084.